The following is an entry in ClinVar:

ClinVar aggregate classification (germline): Likely benign. Review status: criteria provided, multiple submitters, no conflicts (2 of 4 stars). 3 submissions from 3 submitters: Likely benign (3). Last evaluated 2025-08-29.

Allele frequency attached by ClinVar (database versions not stated): TOPMed 0.00008; gnomAD 0.00011 and 0.00012; ExAC 0.00015; gnomAD exomes 0.00016 and 0.00019; ESP Exome Variant Server 0.00039.
gnomAD v4.1: 281 of 1,604,420 alleles (0.018%); highest among the groups gnomAD compares: Middle Eastern, 0.033%; no homozygotes.

Submissions (3):

Labcorp Genetics (formerly Invitae), Labcorp
Classification: Likely benign. Last evaluated: 2025-08-29. Review status: criteria provided, single submitter. Criteria: Invitae Variant Classification Sherloc (09022015). Collection method: clinical testing. Allele origin: germline.

Blueprint Genetics
Classification: Likely benign. Last evaluated: 2024-07-18. Review status: criteria provided, single submitter. Criteria: ACMG Guidelines, 2015. Collection method: clinical testing. Allele origin: germline.

CeGaT Center for Human Genetics Tuebingen
Classification: Likely benign. Last evaluated: 2024-01-01. Review status: criteria provided, single submitter. Criteria: CeGaT Center For Human Genetics Tuebingen Variant Classification Criteria Version 2. Collection method: clinical testing. Allele origin: germline. Affected: yes. Observed: 3 variant alleles.
Comment: CYFIP2: BP4, BP7

NM_001037333.3(CYFIP2):c.540C>T (p.Ser180=)

Gene: CYFIP2 (cytoplasmic FMR1 interacting protein 2; plus strand). Cytogenetic location: 5q33.3.
Variant type: single nucleotide variant.
Coding change: c.540C>T on transcript NM_001037333.3 (MANE Select); coding-DNA position 540, C replaced by T.
Protein change: p.Ser180=; no amino-acid change (serine 180 retained).
Molecular consequence: synonymous variant.
Genome position (GRCh38, 1-based): chr5:157,300,867, C>T. VCF-style: chr5-157300867-C-T. GRCh37 (hg19) VCF-style: chr5-156727875-C-T.
Other names: c.462C>T, p.Ser154= (NM_001291721.2); c.540C>T, p.Ser180= (NM_001291722.2, NM_014376.4).
Identifiers: ClinVar variation 1615503 (VCV001615503.33), dbSNP rs373151265, ClinGen allele CA3533374.